The following is an entry in ClinVar:

NM_001852.4(COL9A2):c.1003C>A (p.Leu335Ile)

Gene: COL9A2 (collagen type IX alpha 2 chain; minus strand). Cytogenetic location: 1p34.2.
Variant type: single nucleotide variant.
Coding change: c.1003C>A on transcript NM_001852.4 (MANE Select); coding-DNA position 1003, C replaced by A.
Protein change: p.Leu335Ile; replaces leucine 335 with isoleucine.
Molecular consequence: missense variant.
Genome position (GRCh38, 1-based): chr1:40,307,451, G>T on the plus strand (C>A on the coding strand, the complement: COL9A2 is on the minus strand). VCF-style: chr1-40307451-G-T. GRCh37 (hg19) VCF-style: chr1-40773123-G-T.
Other names: short protein forms L335I.
Identifiers: ClinVar variation 1897980 (VCV001897980.5), dbSNP rs2228567, ClinGen allele CA339852283.

ClinVar aggregate classification (germline): Uncertain significance (1 of 4 stars; one submission).

gnomAD v4.1: 3 of 1,613,868 alleles (0.00019%); highest among the groups gnomAD compares: Non-Finnish European, 0.00025%; no homozygotes.

Submission:

Labcorp Genetics (formerly Invitae), Labcorp
Classification: Uncertain significance. Last evaluated: 2026-01-15. Review status: criteria provided, single submitter. Criteria: Invitae Variant Classification Sherloc (09022015). Collection method: clinical testing. Allele origin: germline.
Comment: This sequence change replaces leucine, which is neutral and non-polar, with isoleucine, which is neutral and non-polar, at codon 335 of the COL9A2 protein (p.Leu335Ile). This variant is not present in population databases (gnomAD no frequency). This variant has not been reported in the literature in individuals affected with COL9A2-related conditions. ClinVar contains an entry for this variant (Variation ID: 1897980). Invitae Evidence Modeling of protein sequence and biophysical properties (such as structural, functional, and spatial information, amino acid conservation, physicochemical variation, residue mobility, and thermodynamic stability) indicates that this missense variant is not expected to disrupt COL9A2 protein function with a negative predictive value of 95%. In summary, the available evidence is currently insufficient to determine the role of this variant in disease. Therefore, it has been classified as a Variant of Uncertain Significance.